The following is an entry in ClinVar:

ClinVar aggregate classification (germline): Uncertain significance (0 of 4 stars; one submission).

Allele frequency attached by ClinVar (database versions not stated): gnomAD 0.00001; gnomAD exomes below 0.00001; 1000 Genomes Project 30x 0.00016; 1000 Genomes Project 0.00020.
gnomAD v4.1: 9 of 1,614,154 alleles (0.00056%); highest among the groups gnomAD compares: Admixed American, 0.0017%; no homozygotes.

Submission:

Martin Pollak Laboratory,  Beth Israel Deaconess Medical Center
Classification: Uncertain significance. Review status: no assertion criteria provided. Collection method: not provided. Allele origin: unknown.
Comment: Higher UCa2+ group
ClinVar note: Converted during submission from unknown to Uncertain significance.

NM_019841.7(TRPV5):c.1968G>A (p.Lys656=)

Gene: TRPV5 (transient receptor potential cation channel subfamily V member 5; minus strand). Cytogenetic location: 7q34.
Variant type: single nucleotide variant.
Coding change: c.1968G>A on transcript NM_019841.7 (MANE Select); coding-DNA position 1968, G replaced by A.
Protein change: p.Lys656=; no amino-acid change (lysine 656 retained).
Molecular consequence: synonymous variant.
Genome position (GRCh38, 1-based): chr7:142,908,736, C>T on the plus strand (G>A on the coding strand, the complement: TRPV5 is on the minus strand). VCF-style: chr7-142908736-C-T. GRCh37 (hg19) VCF-style: chr7-142605902-C-T.
Identifiers: ClinVar variation 64570 (VCV000064570.2), dbSNP rs387907541, ClinGen allele CA216422.
Genomic context (GRCh38, chr7:142,908,736, plus strand): 5'-TAGAGTCCCACTCTCAGCCCCAGAGGGCTGTTTCTCAGATGGATGCTCCTGGTCATCCTC[C>T]TTGTCTGAGTTCTTGAACACTTCCACATAGCGAAGCACTCGCAGAGGATTCTGATCATTG-3'
Protein context (NP_062815.3, residues 646-666): RYVEVFKNSD[Lys656=]EDDQEHPSEK